The following is an entry in ClinVar:

ClinVar aggregate classification (germline): Likely pathogenic. Review status: reviewed by expert panel (3 of 4 stars). 2 submissions from 2 submitters: Likely pathogenic (1). 1 of the submissions does not count toward it. Last evaluated 2023-11-13.

Conditions:
Very long chain acyl-CoA dehydrogenase deficiency (ACADVLD). Also called: VLCAD Deficiency; Very Long-Chain Acyl-Coenzyme A Dehydrogenase Deficiency. Identifiers: Orphanet 26793, MedGen C3887523, MONDO:0008723, OMIM 201475.

Allele frequency attached by ClinVar (database versions not stated): gnomAD exomes below 0.00001.
gnomAD v4.1: 4 of 1,614,060 alleles (0.00025%); highest among the groups gnomAD compares: East Asian, 0.0022%; no homozygotes.

Submissions (2):

ClinGen ACADVL Variant Curation Expert Panel, ClinGen
Classification: Likely pathogenic for Very long chain acyl-CoA dehydrogenase deficiency. Last evaluated: 2023-11-13. Review status: reviewed by expert panel. Criteria: clingen acadvl acmg specifications v1. Collection method: curation. Allele origin: germline. Inheritance: Autosomal recessive inheritance.
Comment: The NM_000018.4(ACADVL): c.643T>C variant in ACADVL is a missense variant predicted to cause substitution of cystine by arginine at amino acid 215 (p.Cys215Arg). This variant is absent from gnomAD v2.1.1 (PM2_Supporting). The variant is detected in at least one patient in homozygous fashion (PM3 point 0.5, PM3_Supporting, PMID: 25834949). This patient displayed reduced enzyme levels (< 5% of wildtype), which is highly specific for VLCAD deficiency (PP4_Moderate, PMID: 25834949). This variant resides within a region, amino acids 214–223, of ACADVL that is defined as a mutational hotspot and critical functional domain by the ClinGen ACADVL Variant Curation Expert Panel (PMIDs: 20060901, 9973285; PM1). The computational predictor REVEL gives a score of 0.951, which is above the threshold of 0.75, evidence that correlates with impact to ACADVL function (PP3). In summary, this variant meets the criteria to be classified as likely pathogenic for autosomal recessive very long chain acyl-CoA dehydrogenase (VLCAD) deficiency based on the ACMG/AMP criteria applied, as specified by the ClinGen ACADVL Variant Curation Expert Panel: PM1, PM2_Supporting, PM3_Supporting, PP3, PP4_Moderate (ACADVL VCEP specifications version 1; approved November 9, 2021).

Natera, Inc.
Classification: Likely pathogenic for Very long chain acyl-CoA dehydrogenase deficiency. Last evaluated: 2025-02-14. Review status: criteria provided, single submitter. Criteria: Natera Variant Classification Schema (03/2026). Collection method: clinical testing. Allele origin: germline. Not counted in ClinVar's aggregate classification.
Comment: The c.643T>C variant in ACADVL is a missense variant predicted to cause substitution of cysteine to arginine at amino acid 215. This variant is rare in the general population with a frequency below the threshold expected for the associated phenotype(s). This variant has been observed in one or more individuals affected with the associated recessive disease, as either homozygous or compound heterozygous with a second variant (PMID: 32061778, 28755359, 25834949). Functional studies show that this variant may disrupt protein function (PMID: 25834949). This variant is located in a functionally critical region of the protein. Computational prediction algorithms indicate this variant is likely to affect gene or protein function. Given the available evidence, this variant is classified as Likely Pathogenic.

Literature cited by the submitters: PubMed 32061778 (cited by Natera, Inc.); PubMed 28755359 (cited by Natera, Inc.); PubMed 25834949 (cited by Natera, Inc.).

NM_000018.4(ACADVL):c.643T>C (p.Cys215Arg)

Gene: ACADVL (acyl-CoA dehydrogenase very long chain; plus strand). Cytogenetic location: 17p13.1.
Variant type: single nucleotide variant.
Coding change: c.643T>C on transcript NM_000018.4 (MANE Select); coding-DNA position 643, T replaced by C.
Protein change: p.Cys215Arg; replaces cysteine 215 with arginine.
Molecular consequence: missense variant.
Genome position (GRCh38, 1-based): chr17:7,221,972, T>C. VCF-style: chr17-7221972-T-C. GRCh37 (hg19) VCF-style: chr17-7125291-T-C.
Other names: NM_001270448.2:c.415T>C; c.577T>C, p.Cys193Arg (NM_001033859.3); c.712T>C, p.Cys238Arg (NM_001270447.2); c.415T>C, p.Cys139Arg (NM_001270448.2); c.643T>C (NM_000018.3); short protein forms C139R, C193R, C215R, C238R.
Identifiers: ClinVar variation 2671896 (VCV002671896.2), dbSNP rs2508296669, ClinGen allele CA397723375.